The following is an entry in ClinVar:

NM_001429.4(EP300):c.2899A>T (p.Ile967Phe)

Genes: EP300 (EP300 lysine acetyltransferase; plus strand), LOC126863158 (BRD4-independent group 4 enhancer GRCh37_chr22:41547383-41548582; plus strand). Cytogenetic location: 22q13.2.
Variant type: single nucleotide variant.
Coding change: c.2899A>T on transcript NM_001429.4 (MANE Select); coding-DNA position 2899, A replaced by T.
Protein change: p.Ile967Phe; replaces isoleucine 967 with phenylalanine.
Molecular consequence: missense variant.
Genome position (GRCh38, 1-based): chr22:41,151,914, A>T. VCF-style: chr22-41151914-A-T. GRCh37 (hg19) VCF-style: chr22-41547918-A-T.
Other names: c.2821A>T, p.Ile941Phe (NM_001362843.2); short protein forms I967F, I941F.
Identifiers: ClinVar variation 4978302 (VCV004978302.1).

ClinVar aggregate classification (germline): Uncertain significance (1 of 4 stars; one submission).

Conditions:
EP300-related disorder. Also called: EP300-related condition; EP300-related disorders.

Submission:

PreventionGenetics, part of Exact Sciences
Classification: Uncertain significance for EP300-related condition. Last evaluated: 2024-10-14. Review status: criteria provided, single submitter. Criteria: ACMG Guidelines, 2015. Collection method: clinical testing. Allele origin: germline.
Comment: The EP300 c.2899A>T variant is predicted to result in the amino acid substitution p.Ile967Phe. To our knowledge, this variant has not been reported in the literature or in a large population database (gnomAD), indicating this variant is rare. At this time, the clinical significance of this variant is uncertain due to the absence of conclusive functional and genetic evidence.